The following is an entry in ClinVar:

NC_000016.9:g.(?_2124181)_(2138611_?)del

Gene: TSC2 (TSC complex subunit 2; plus strand). Cytogenetic location: 16p13.3.
Variant type: Deletion.
Identifiers: ClinVar variation 1457626 (VCV001457626.4).

ClinVar aggregate classification (germline): Pathogenic (1 of 4 stars; one submission).

Conditions:
Tuberous sclerosis 2 (TSC2). Identifiers: Orphanet 805, MedGen C1860707, MONDO:0013199, OMIM 613254.

Submission:

Labcorp Genetics (formerly Invitae), Labcorp
Classification: Pathogenic for Tuberous sclerosis 2. Last evaluated: 2021-06-22. Review status: criteria provided, single submitter. Criteria: Invitae Variant Classification Sherloc (09022015). Collection method: clinical testing. Allele origin: germline.
Comment: This variant is a gross deletion of the genomic region encompassing exon(s) 22-42 of the TSC2 gene. The 5' boundary is likely confined to intron 21. The 3' end of this event is unknown as it extends through the termination codon beyond the assayed region for this gene and may encompass additional genes. While this deletion is not anticipated to lead to nonsense mediated decay, it is expected to alter mRNA translation or result in a truncated protein product. This variant has not been reported in the literature in individuals affected with TSC2-related conditions. This variant disrupts a region of the TSC2 protein in which other variant(s) (p.Arg1745Glnfs*27) have been determined to be pathogenic (Invitae). This suggests that this is a clinically significant region of the protein, and that variants that disrupt it are likely to be disease-causing. For these reasons, this variant has been classified as Pathogenic.